The following is an entry in ClinVar:

NM_004380.3(CREBBP):c.4890+2T>C

Gene: CREBBP (CREB binding lysine acetyltransferase; minus strand). Cytogenetic location: 16p13.3.
Variant type: single nucleotide variant.
Coding change: c.4890+2T>C on transcript NM_004380.3 (MANE Select); the canonical splice donor site of the intron after coding-DNA position 4890, T replaced by C.
Molecular consequence: splice donor variant.
Genome position (GRCh38, 1-based): chr16:3,731,774, A>G on the plus strand (T>C on the coding strand, the complement: CREBBP is on the minus strand). VCF-style: chr16-3731774-A-G. GRCh37 (hg19) VCF-style: chr16-3781775-A-G.
Other names: c.4776+2T>C (NM_001079846.1); c.4890+2T>C (NM_004380.2).
Identifiers: ClinVar variation 191065 (VCV000191065.3), dbSNP rs786205495, ClinGen allele CA235946.

ClinVar aggregate classification (germline): Likely pathogenic. Review status: criteria provided, single submitter (1 of 4 stars). 2 submissions from 2 submitters: Likely pathogenic (1). 1 of the submissions does not count toward it.

Conditions:
CREBBP-related disorder. Also called: CREBBP-related condition; CREBBP-related disorders.

Submissions (2):

Genomic Medicine Center of Excellence, King Faisal Specialist Hospital and Research Centre
Classification: Likely pathogenic. Review status: criteria provided, single submitter. Criteria: ACMG Guidelines, 2015. Collection method: research. Allele origin: germline. Affected: yes.

PreventionGenetics, part of Exact Sciences
Classification: Pathogenic for CREBBP-related condition. Last evaluated: 2024-02-26. Review status: no assertion criteria provided. Collection method: clinical testing. Allele origin: germline. Not counted in ClinVar's aggregate classification.
Comment: The CREBBP c.4890+2T>C variant is predicted to disrupt the GT donor site and interfere with normal splicing. This variant was reported in an individual with intellectual disability and severe short stature (Table S1, Maddirevula et al 2018. PubMed ID: 29620724). This variant has not been reported in a large population database, indicating this variant is rare. Variants that disrupt the consensus splice donor site in CREBBP are expected to be pathogenic. This variant is interpreted as pathogenic.